The following is an entry in ClinVar:

NM_005159.5(ACTC1):c.129+3A>G

Genes: GJD2-DT (GJD2 divergent transcript; plus strand), ACTC1 (actin alpha cardiac muscle 1; minus strand). Cytogenetic location: 15q14.
Variant type: single nucleotide variant.
Coding change: c.129+3A>G on transcript NM_005159.5 (MANE Select); 3 bases into the intron after coding-DNA position 129, A replaced by G.
Molecular consequence: intron variant.
Genome position (GRCh38, 1-based): chr15:34,794,677, T>C on the plus strand (A>G on the coding strand, the complement: ACTC1 is on the minus strand). VCF-style: chr15-34794677-T-C. GRCh37 (hg19) VCF-style: chr15-35086878-T-C.
Identifiers: ClinVar variation 1329278 (VCV001329278.7), dbSNP rs763452221, ClinGen allele CA040872.

ClinVar aggregate classification (germline): Uncertain significance. Review status: criteria provided, multiple submitters, no conflicts (2 of 4 stars). 3 submissions from 3 submitters: Uncertain significance (3). Last evaluated 2023-09-07.

Conditions:
Dilated cardiomyopathy 1R (CMD1R). Identifiers: Orphanet 154, Orphanet 54260, MedGen C3150681, MONDO:0013261, OMIM 613424.
Atrial septal defect 5 (ASD5). Identifiers: Orphanet 1478, MedGen C2748552, MONDO:0013011, OMIM 612794.
Hypertrophic cardiomyopathy 11. Also called: ACTC1-Related Familial Hypertrophic Cardiomyopathy. Identifiers: MedGen C2677506, MONDO:0012799, OMIM 612098.
Cardiomyopathy (CMYO). Also called: Cardiomyopathies. Identifiers: Orphanet 167848, MedGen C0878544, MONDO:0004994, HP:0001638. Inheritance: Various modes of inheritance.

Allele frequency attached by ClinVar (database versions not stated): gnomAD exomes below 0.00001; ExAC 0.00001; TOPMed 0.00001.
gnomAD v4.1: 5 of 1,611,260 alleles (0.00031%); highest among the groups gnomAD compares: Non-Finnish European, 0.00042%; no homozygotes.

Submissions (3):

Color Diagnostics, LLC DBA Color Health
Classification: Uncertain significance for Cardiomyopathy. Last evaluated: 2023-09-07. Review status: criteria provided, single submitter. Criteria: ACMG Guidelines, 2015. Collection method: clinical testing. Allele origin: germline.
Comment: This variant causes an A to G nucleotide substitution at the +3 position of intron 2 of the ACTC1 gene. To our knowledge, functional studies have not been reported for this variant. This variant has not been reported in individuals affected with ACTC1-related disorders in the literature. This variant has been identified in 1/242578 chromosomes in the general population by the Genome Aggregation Database (gnomAD). The available evidence is insufficient to determine the role of this variant in disease conclusively. Therefore, this variant is classified as a Variant of Uncertain Significance.

Labcorp Genetics (formerly Invitae), Labcorp
Classification: Uncertain significance for Dilated cardiomyopathy 1R; Hypertrophic cardiomyopathy 11; Atrial septal defect 5. Last evaluated: 2022-08-03. Review status: criteria provided, single submitter. Criteria: Invitae Variant Classification Sherloc (09022015). Collection method: clinical testing. Allele origin: germline.
Comment: This sequence change falls in intron 2 of the ACTC1 gene. It does not directly change the encoded amino acid sequence of the ACTC1 protein. It affects a nucleotide within the consensus splice site. This variant is not present in population databases (gnomAD no frequency). Variants that disrupt the consensus splice site are a relatively common cause of aberrant splicing (PMID: 17576681, 9536098). Algorithms developed to predict the effect of sequence changes on RNA splicing suggest that this variant is not likely to affect RNA splicing. In summary, the available evidence is currently insufficient to determine the role of this variant in disease. Therefore, it has been classified as a Variant of Uncertain Significance. This variant has not been reported in the literature in individuals affected with ACTC1-related conditions. ClinVar contains an entry for this variant (Variation ID: 1329278).

CHEO Genetics Diagnostic Laboratory, Children's Hospital of Eastern Ontario
Classification: Uncertain significance for Cardiomyopathy. Last evaluated: 2021-03-09. Review status: criteria provided, single submitter. Criteria: ACMG Guidelines, 2015. Collection method: clinical testing. Allele origin: germline.

Literature cited by the submitters: PubMed 17576681 (cited by Labcorp Genetics (formerly Invitae), Labcorp); PubMed 9536098 (cited by Labcorp Genetics (formerly Invitae), Labcorp).